The following is an entry in ClinVar:

NM_001378452.1(ITPR1):c.6954G>A (p.Ser2318=)

Gene: ITPR1 (inositol 1,4,5-trisphosphate receptor type 1; plus strand). Cytogenetic location: 3p26.1.
Variant type: single nucleotide variant.
Coding change: c.6954G>A on transcript NM_001378452.1 (MANE Select); coding-DNA position 6954, G replaced by A.
Protein change: p.Ser2318=; no amino-acid change (serine 2318 retained).
Molecular consequence: synonymous variant.
Genome position (GRCh38, 1-based): chr3:4,800,447, G>A. VCF-style: chr3-4800447-G-A. GRCh37 (hg19) VCF-style: chr3-4842131-G-A.
Other names: c.6810G>A, p.Ser2270= (NM_001099952.4); c.6909G>A, p.Ser2303= (NM_001168272.2); c.6765G>A, p.Ser2255= (NM_002222.7).
Identifiers: ClinVar variation 4985073 (VCV004985073.1).

ClinVar aggregate classification (germline): Likely benign (1 of 4 stars; one submission).

Conditions:
ITPR1-related disorder. Also called: ITPR1-related condition.

gnomAD v4.1: 25 of 1,613,770 alleles (0.0015%); highest among the groups gnomAD compares: East Asian, 0.0022%; no homozygotes.

Submission:

PreventionGenetics, part of Exact Sciences
Classification: Likely benign for ITPR1-related condition. Last evaluated: 2025-03-12. Review status: criteria provided, single submitter. Criteria: ACMG Guidelines, 2015. Collection method: clinical testing. Allele origin: germline.
Comment: This variant is classified as likely benign based on ACMG/AMP sequence variant interpretation guidelines (Richards et al. 2015 PMID: 25741868, with internal and published modifications).